The following is an entry in ClinVar:

NM_001184880.2(PCDH19):c.1189C>T (p.Gln397Ter)

Gene: PCDH19 (protocadherin 19; minus strand). Cytogenetic location: Xq22.1.
Variant type: single nucleotide variant.
Coding change: c.1189C>T on transcript NM_001184880.2 (MANE Select); coding-DNA position 1189, C replaced by T.
Protein change: p.Gln397Ter; replaces glutamine 397 with a stop codon.
Molecular consequence: nonsense.
Genome position (GRCh38, 1-based): chrX:100,407,409, G>A on the plus strand (C>T on the coding strand, the complement: PCDH19 is on the minus strand). VCF-style: chrX-100407409-G-A. GRCh37 (hg19) VCF-style: chrX-99662407-G-A.
Other names: c.1189C>T, p.Gln397Ter (NM_001105243.2, NM_020766.3); short protein forms Q397*.
Identifiers: ClinVar variation 1074349 (VCV001074349.7), dbSNP rs2147539395, ClinGen allele CA414003796.

ClinVar aggregate classification (germline): Pathogenic (1 of 4 stars; one submission).

Conditions:
Developmental and epileptic encephalopathy, 9 (DEE9). Also called: JUBERG-HELLMAN SYNDROME; PCDH19-Related X-Linked Female-Limited Epilepsy with Mental Retardation; Early infantile epileptic encephalopathy 9; EPILEPSY, FEMALE-RESTRICTED, WITH MENTAL RETARDATION. Identifiers: Orphanet 101039, Orphanet 2076, MedGen C1848137, MONDO:0010246, OMIM 300088. Disease mechanism: loss of function.

Submission:

Labcorp Genetics (formerly Invitae), Labcorp
Classification: Pathogenic for Developmental and epileptic encephalopathy, 9. Last evaluated: 2025-04-14. Review status: criteria provided, single submitter. Criteria: Invitae Variant Classification Sherloc (09022015). Collection method: clinical testing. Allele origin: germline.
Comment: This sequence change creates a premature translational stop signal (p.Gln397*) in the PCDH19 gene. It is expected to result in an absent or disrupted protein product. Loss-of-function variants in PCDH19 are known to be pathogenic (PMID: 21053371). This variant is not present in population databases (gnomAD no frequency). This variant has not been reported in the literature in individuals affected with PCDH19-related conditions. ClinVar contains an entry for this variant (Variation ID: 1074349). For these reasons, this variant has been classified as Pathogenic.

Literature cited by the submitters: PubMed 21053371.